The following is an entry in ClinVar:

NM_004990.4(MARS1):c.1459C>T (p.Arg487Trp)

Gene: MARS1 (methionyl-tRNA synthetase 1; plus strand). Cytogenetic location: 12q13.3.
Variant type: single nucleotide variant.
Coding change: c.1459C>T on transcript NM_004990.4 (MANE Select); coding-DNA position 1459, C replaced by T.
Protein change: p.Arg487Trp; replaces arginine 487 with tryptophan.
Molecular consequence: missense variant.
Genome position (GRCh38, 1-based): chr12:57,511,788, C>T. VCF-style: chr12-57511788-C-T. GRCh37 (hg19) VCF-style: chr12-57905571-C-T.
Other names: c.1459C>T (NM_004990.3); short protein forms R487W.
Identifiers: ClinVar variation 1681739 (VCV001681739.4), dbSNP rs551633010, ClinGen allele CA6650523.

ClinVar aggregate classification (germline): Uncertain significance. Review status: criteria provided, multiple submitters, no conflicts (2 of 4 stars). 2 submissions from 2 submitters: Uncertain significance (2). Last evaluated 2025-11-13.

Conditions:
Charcot-Marie-Tooth disease axonal type 2U. Also called: CHARCOT-MARIE-TOOTH NEUROPATHY, TYPE 2U; CHARCOT-MARIE-TOOTH DISEASE, AXONAL, AUTOSOMAL DOMINANT, TYPE 2U. Identifiers: Orphanet 397735, MedGen C4084821, MONDO:0014566, OMIM 616280.
Severe early-onset pulmonary alveolar proteinosis due to MARS deficiency. Also called: PULMONARY ALVEOLAR PROTEINOSIS, REUNION ISLAND; Interstitial lung and liver disease. Identifiers: Orphanet 440427, MedGen C4225400, MONDO:0014206, OMIM 615486.

Allele frequency attached by ClinVar (database versions not stated): gnomAD 0.00004 and 0.00005; 1000 Genomes Project 30x 0.00031; 1000 Genomes Project 0.00020; TOPMed 0.00001; gnomAD exomes 0.00006 and 0.00013; ExAC 0.00012.
gnomAD v4.1: 90 of 1,614,162 alleles (0.0056%); highest among the groups gnomAD compares: South Asian, 0.08%; no homozygotes.

Submissions (2):

Ambry Genetics
Classification: Uncertain significance. Last evaluated: 2025-11-13. Review status: criteria provided, single submitter. Criteria: Ambry Variant Classification Scheme 2023. Collection method: clinical testing. Allele origin: germline.

Labcorp Genetics (formerly Invitae), Labcorp
Classification: Uncertain significance for Charcot-Marie-Tooth disease axonal type 2U; Severe early-onset pulmonary alveolar proteinosis due to MARS deficiency. Last evaluated: 2021-09-18. Review status: criteria provided, single submitter. Criteria: Invitae Variant Classification Sherloc (09022015). Collection method: clinical testing. Allele origin: germline.
Comment: This sequence change replaces arginine with tryptophan at codon 487 of the MARS protein (p.Arg487Trp). The arginine residue is highly conserved and there is a moderate physicochemical difference between arginine and tryptophan. This variant is present in population databases (rs551633010, ExAC 0.08%). This variant has not been reported in the literature in individuals affected with MARS-related conditions. Algorithms developed to predict the effect of missense changes on protein structure and function (SIFT, PolyPhen-2, Align-GVGD) all suggest that this variant is likely to be disruptive. In summary, the available evidence is currently insufficient to determine the role of this variant in disease. Therefore, it has been classified as a Variant of Uncertain Significance.